The following is an entry in ClinVar:

NM_152415.3(VPS37A):c.821A>G (p.Lys274Arg)

Gene: VPS37A (VPS37A subunit of ESCRT-I; plus strand). Cytogenetic location: 8p22.
Variant type: single nucleotide variant.
Coding change: c.821A>G on transcript NM_152415.3 (MANE Select); coding-DNA position 821, A replaced by G.
Protein change: p.Lys274Arg; replaces lysine 274 with arginine.
Molecular consequence: missense variant.
Genome position (GRCh38, 1-based): chr8:17,280,135, A>G. VCF-style: chr8-17280135-A-G. GRCh37 (hg19) VCF-style: chr8-17137644-A-G.
Other names: c.746A>G, p.Lys249Arg (NM_001145152.2); c.821A>G, p.Lys274Arg (NM_001363167.1, NM_001363173.2); c.551A>G, p.Lys184Arg (NM_001363168.1, NM_001363169.1, NM_001363170.1 and 2 more transcripts); c.821A>G (NM_152415.2); short protein forms K184R, K274R, K249R.
Identifiers: ClinVar variation 2073574 (VCV002073574.5), dbSNP rs375567069, ClinGen allele CA4643504.

ClinVar aggregate classification (germline): Uncertain significance. Review status: criteria provided, multiple submitters, no conflicts (2 of 4 stars). 2 submissions from 2 submitters: Uncertain significance (2). Last evaluated 2025-10-02.

Conditions:
Hereditary spastic paraplegia 53. Also called: Spastic paraplegia 53, autosomal recessive. Identifiers: Orphanet 319199, MedGen C3539494, MONDO:0013962, OMIM 614898.

Allele frequency attached by ClinVar (database versions not stated): TOPMed 0.00003; gnomAD exomes below 0.00001; gnomAD 0.00002; ESP Exome Variant Server 0.00015; ExAC 0.00002.
gnomAD v4.1: 8 of 1,612,638 alleles (0.0005%); highest among the groups gnomAD compares: African/African-American, 0.008%; no homozygotes.

Submissions (2):

Ambry Genetics
Classification: Uncertain significance. Last evaluated: 2025-10-02. Review status: criteria provided, single submitter. Criteria: Ambry Variant Classification Scheme 2023. Collection method: clinical testing. Allele origin: germline.

Labcorp Genetics (formerly Invitae), Labcorp
Classification: Uncertain significance for Hereditary spastic paraplegia 53. Last evaluated: 2022-10-13. Review status: criteria provided, single submitter. Criteria: Invitae Variant Classification Sherloc (09022015). Collection method: clinical testing. Allele origin: germline.
Comment: Advanced modeling of protein sequence and biophysical properties (such as structural, functional, and spatial information, amino acid conservation, physicochemical variation, residue mobility, and thermodynamic stability) performed at Invitae indicates that this missense variant is not expected to disrupt VPS37A protein function. In summary, the available evidence is currently insufficient to determine the role of this variant in disease. Therefore, it has been classified as a Variant of Uncertain Significance. This variant has not been reported in the literature in individuals affected with VPS37A-related conditions. This variant is present in population databases (rs375567069, gnomAD 0.02%). This sequence change replaces lysine, which is basic and polar, with arginine, which is basic and polar, at codon 274 of the VPS37A protein (p.Lys274Arg).